The following is an entry in ClinVar:

NM_001012339.3(DNAJC21):c.483A>G (p.Gln161=)

Gene: DNAJC21 (DnaJ heat shock protein family (Hsp40) member C21; plus strand). Cytogenetic location: 5p13.2.
Variant type: single nucleotide variant.
Coding change: c.483A>G on transcript NM_001012339.3 (MANE Select); coding-DNA position 483, A replaced by G.
Protein change: p.Gln161=; no amino-acid change (glutamine 161 retained).
Molecular consequence: synonymous variant.
Genome position (GRCh38, 1-based): chr5:34,937,370, A>G. VCF-style: chr5-34937370-A-G. GRCh37 (hg19) VCF-style: chr5-34937475-A-G.
Other names: c.483A>G, p.Gln161= (NM_001348420.2, NM_194283.4); c.483A>G (NM_001012339.2).
Identifiers: ClinVar variation 1167946 (VCV001167946.13), dbSNP rs376335909, ClinGen allele CA3228477.
Genomic context (GRCh38, chr5:34,937,370, plus strand): 5'-TTTTCTTTGTCACTAGGTAGTCCATCCTTTCTACGCTTATTGGCAGAGTTTCTGCACTCA[A>G]AAGAATTTTGCATGGAAGGAAGAATATGATACACGACAGGCTTCAAACCGCTGGGAAAAA-3'
Protein context (NP_001012339.2, residues 151-171): FYAYWQSFCT[Gln161=]KNFAWKEEYD

ClinVar aggregate classification (germline): Benign/Likely benign. Review status: criteria provided, multiple submitters, no conflicts (2 of 4 stars). 4 submissions from 4 submitters: Benign (1); Likely benign (2). 1 of the submissions does not count toward it. Last evaluated 2026-01-15.

Conditions:
DNAJC21-related disorder. Also called: DNAJC21-related condition.

Allele frequency attached by ClinVar (database versions not stated): TOPMed 0.00008; ESP Exome Variant Server 0.00015; ExAC 0.00021; gnomAD exomes 0.00021 and 0.00031; 1000 Genomes Project 30x 0.00031; gnomAD 0.00033 and 0.00034; 1000 Genomes Project 0.00040.
gnomAD v4.1: 346 of 1,613,798 alleles (0.021%); highest among the groups gnomAD compares: Non-Finnish European, 0.014%; 1 homozygote.

Submissions (4):

Labcorp Genetics (formerly Invitae), Labcorp
Classification: Benign. Last evaluated: 2026-01-15. Review status: criteria provided, single submitter. Criteria: Invitae Variant Classification Sherloc (09022015). Collection method: clinical testing. Allele origin: germline.

Laboratory of Genetics, Children's Clinical University Hospital Latvia
Classification: Likely benign. Last evaluated: 2025-02-16. Review status: criteria provided, single submitter. Criteria: ACMG Guidelines, 2015. Collection method: clinical testing. Allele origin: germline. Affected: yes.

Blueprint Genetics
Classification: Likely benign. Last evaluated: 2024-11-21. Review status: criteria provided, single submitter. Criteria: ACMG Guidelines, 2015. Collection method: clinical testing. Allele origin: germline.

PreventionGenetics, part of Exact Sciences
Classification: Likely benign for DNAJC21-related condition. Last evaluated: 2020-07-22. Review status: no assertion criteria provided. Collection method: clinical testing. Allele origin: germline. Not counted in ClinVar's aggregate classification.
Comment: This variant is classified as likely benign based on ACMG/AMP sequence variant interpretation guidelines (Richards et al. 2015 PMID: 25741868, with internal and published modifications).